The following is an entry in ClinVar:

ClinVar aggregate classification (germline): Uncertain significance. Review status: criteria provided, multiple submitters, no conflicts (2 of 4 stars). 6 submissions from 6 submitters: Uncertain significance (6). Last evaluated 2025-03-12.

Conditions:
LYST-related disorder. Also called: LYST-related condition.
Autoinflammatory syndrome. Identifiers: Orphanet 93665, MedGen C3890737, MONDO:0019751.
Chédiak-Higashi syndrome (CHS). Also called: Chediak-Higashi Syndrome. Identifiers: Orphanet 167, MedGen C0007965, MONDO:0008963, OMIM 214500.

gnomAD v4.1: 157 of 1,609,924 alleles (0.0098%); highest among the groups gnomAD compares: Non-Finnish European, 0.013%; no homozygotes.

Submissions (6):

PreventionGenetics, part of Exact Sciences
Classification: Uncertain significance for LYST-related condition. Last evaluated: 2025-03-12. Review status: criteria provided, single submitter. Criteria: ACMG Guidelines, 2015. Collection method: clinical testing. Allele origin: germline.
Comment: The LYST c.285T>G variant is predicted to result in the amino acid substitution p.Asp95Glu. To our knowledge, this variant has not been reported in the literature. This variant is reported in 0.016% of alleles in individuals of European (Non-Finnish) descent in gnomAD. At this time, the clinical significance of this variant is uncertain due to the absence of conclusive functional and genetic evidence.

Blueprint Genetics
Classification: Uncertain significance. Last evaluated: 2024-11-05. Review status: criteria provided, single submitter. Criteria: ACMG Guidelines, 2015. Collection method: clinical testing. Allele origin: germline.

Labcorp Genetics (formerly Invitae), Labcorp
Classification: Uncertain significance for Chédiak-Higashi syndrome. Last evaluated: 2022-09-30. Review status: criteria provided, single submitter. Criteria: Invitae Variant Classification Sherloc (09022015). Collection method: clinical testing. Allele origin: germline.
Comment: This sequence change replaces aspartic acid, which is acidic and polar, with glutamic acid, which is acidic and polar, at codon 95 of the LYST protein (p.Asp95Glu). This variant is present in population databases (rs747965676, gnomAD 0.02%). This variant has not been reported in the literature in individuals affected with LYST-related conditions. ClinVar contains an entry for this variant (Variation ID: 582422). Algorithms developed to predict the effect of missense changes on protein structure and function are either unavailable or do not agree on the potential impact of this missense change (SIFT: "Tolerated"; PolyPhen-2: "Probably Damaging"; Align-GVGD: "Class C0"). In summary, the available evidence is currently insufficient to determine the role of this variant in disease. Therefore, it has been classified as a Variant of Uncertain Significance.

Genome Diagnostics Laboratory, The Hospital for Sick Children
Classification: Uncertain significance for Autoinflammatory syndrome. Last evaluated: 2020-07-21. Review status: criteria provided, single submitter. Criteria: ACMG Guidelines, 2015. Collection method: clinical testing. Allele origin: germline. Affected: yes.

Revvity Omics, Revvity
Classification: Uncertain significance for Chédiak-Higashi syndrome. Last evaluated: 2019-03-06. Review status: criteria provided, single submitter. Criteria: ACMG Guidelines, 2015. Collection method: clinical testing. Allele origin: germline.

GeneDx
Classification: Uncertain significance. Last evaluated: 2018-12-03. Review status: criteria provided, single submitter. Criteria: GeneDx Variant Classification Process June 2021. Collection method: clinical testing. Allele origin: germline. Affected: yes.

NM_000081.4(LYST):c.285T>G (p.Asp95Glu)

Gene: LYST (lysosomal trafficking regulator; minus strand). Cytogenetic location: 1q42.3.
Variant type: single nucleotide variant.
Coding change: c.285T>G on transcript NM_000081.4 (MANE Select); coding-DNA position 285, T replaced by G.
Protein change: p.Asp95Glu; replaces aspartic acid 95 with glutamic acid.
Molecular consequence: missense variant.
Genome position (GRCh38, 1-based): chr1:235,810,533, A>C on the plus strand (T>G on the coding strand, the complement: LYST is on the minus strand). VCF-style: chr1-235810533-A-C. GRCh37 (hg19) VCF-style: chr1-235973833-A-C.
Other names: c.285T>G (NM_000081.2); c.285T>G, p.Asp95Glu (NM_001301365.1); short protein forms D95E.
Identifiers: ClinVar variation 582422 (VCV000582422.13), dbSNP rs747965676, ClinGen allele CA1467654.